The following is an entry in ClinVar:

NM_006922.4(SCN3A):c.3629C>T (p.Thr1210Ile)

Gene: SCN3A (sodium voltage-gated channel alpha subunit 3; minus strand). Cytogenetic location: 2q24.3.
Variant type: single nucleotide variant.
Coding change: c.3629C>T on transcript NM_006922.4 (MANE Select); coding-DNA position 3629, C replaced by T.
Protein change: p.Thr1210Ile; replaces threonine 1210 with isoleucine.
Molecular consequence: missense variant.
Genome position (GRCh38, 1-based): chr2:165,113,856, G>A on the plus strand (C>T on the coding strand, the complement: SCN3A is on the minus strand). VCF-style: chr2-165113856-G-A. GRCh37 (hg19) VCF-style: chr2-165970366-G-A.
Other names: c.3482C>T, p.Thr1161Ile (NM_001081676.2, NM_001081677.2); short protein forms T1161I, T1210I.
Identifiers: ClinVar variation 1062741 (VCV001062741.11), dbSNP rs2105710443, ClinGen allele CA349033428.

ClinVar aggregate classification (germline): Uncertain significance. Review status: criteria provided, multiple submitters, no conflicts (2 of 4 stars). 5 submissions from 4 submitters: Uncertain significance (5). Last evaluated 2026-05-26.

Conditions:
Epilepsy, familial focal, with variable foci 4 (FFEVF4). Identifiers: MedGen C4693694, MONDO:0054776, OMIM 617935.
Developmental and epileptic encephalopathy, 62. Also called: Early infantile epileptic encephalopathy 62. Identifiers: MedGen C4693699, MONDO:0033371, OMIM 617938.
Inborn genetic diseases. Identifiers: MedGen C0950123, MeSH D030342.

Submissions (5):

Ambry Genetics
Classification: Uncertain significance for Inborn genetic diseases. Last evaluated: 2026-05-26. Review status: criteria provided, single submitter. Criteria: Ambry Variant Classification Scheme 2023. Collection method: clinical testing. Allele origin: germline.

Baylor Genetics
Classification: Uncertain significance for Developmental and epileptic encephalopathy, 62. Last evaluated: 2024-03-07. Review status: criteria provided, single submitter. Criteria: ACMG Guidelines, 2015. Collection method: clinical testing. Allele origin: unknown.

Baylor Genetics
Classification: Uncertain significance for Epilepsy, familial focal, with variable foci 4. Last evaluated: 2024-03-07. Review status: criteria provided, single submitter. Criteria: ACMG Guidelines, 2015. Collection method: clinical testing. Allele origin: unknown.

Labcorp Genetics (formerly Invitae), Labcorp
Classification: Uncertain significance. Last evaluated: 2023-05-30. Review status: criteria provided, single submitter. Criteria: Invitae Variant Classification Sherloc (09022015). Collection method: clinical testing. Allele origin: germline.
Comment: In summary, the available evidence is currently insufficient to determine the role of this variant in disease. Therefore, it has been classified as a Variant of Uncertain Significance. Advanced modeling of protein sequence and biophysical properties (such as structural, functional, and spatial information, amino acid conservation, physicochemical variation, residue mobility, and thermodynamic stability) has been performed at Invitae for this missense variant, however the output from this modeling did not meet the statistical confidence thresholds required to predict the impact of this variant on SCN3A protein function. ClinVar contains an entry for this variant (Variation ID: 1062741). This variant has not been reported in the literature in individuals affected with SCN3A-related conditions. This variant is not present in population databases (gnomAD no frequency). This sequence change replaces threonine, which is neutral and polar, with isoleucine, which is neutral and non-polar, at codon 1210 of the SCN3A protein (p.Thr1210Ile).

GeneDx
Classification: Uncertain significance. Last evaluated: 2022-06-23. Review status: criteria provided, single submitter. Criteria: GeneDx Variant Classification Process June 2021. Collection method: clinical testing. Allele origin: germline. Affected: yes.
Comment: Not observed at significant frequency in large population cohorts (gnomAD); In silico analysis supports that this missense variant has a deleterious effect on protein structure/function; Has not been previously published as pathogenic or benign to our knowledge